The following is an entry in ClinVar:

ClinVar aggregate classification (germline): Likely benign. Review status: criteria provided, multiple submitters, no conflicts (2 of 4 stars). 2 submissions from 2 submitters: Likely benign (2). Last evaluated 2025-09-25.

Allele frequency attached by ClinVar (database versions not stated): gnomAD exomes 0.00004 and 0.00001; gnomAD 0.00011 and 0.00012; TOPMed 0.00014; ESP Exome Variant Server 0.00024; ExAC 0.00004.
gnomAD v4.1: 31 of 1,606,962 alleles (0.0019%); highest among the groups gnomAD compares: African/African-American, 0.036%; no homozygotes.

Submissions (2):

Labcorp Genetics (formerly Invitae), Labcorp
Classification: Likely benign. Last evaluated: 2025-09-25. Review status: criteria provided, single submitter. Criteria: Invitae Variant Classification Sherloc (09022015). Collection method: clinical testing. Allele origin: germline.

Mayo Clinic Laboratories, Mayo Clinic
Classification: Likely benign. Last evaluated: 2024-12-23. Review status: criteria provided, single submitter. Criteria: ACMG Guidelines, 2015. Collection method: clinical testing. Allele origin: germline. Observed: 1 variant allele.
Comment: BP4, BP7

NM_017999.5(RNF31):c.2608+8C>A

Gene: RNF31 (ring finger protein 31; plus strand). Cytogenetic location: 14q12.
Variant type: single nucleotide variant.
Coding change: c.2608+8C>A on transcript NM_017999.5 (MANE Select); 8 bases into the intron after coding-DNA position 2608, C replaced by A.
Molecular consequence: intron variant.
Genome position (GRCh38, 1-based): chr14:24,157,412, C>A. VCF-style: chr14-24157412-C-A. GRCh37 (hg19) VCF-style: chr14-24626621-C-A.
Other names: p.?; c.2155+8C>A (NM_001310332.2).
Identifiers: ClinVar variation 1122945 (VCV001122945.10), dbSNP rs375496305, ClinGen allele CA7126106.
Genomic context (GRCh38, chr14:24,157,412, plus strand): 5'-CCCAGAATACCAGGCCCAGGGCCTAGCAATGTATCTTCAGGAAAACGGCATTGGTAAGGC[C>A]TCCCTACTCGGCCTGTTTGCTCAGAAGCCTGTCATTGCCAGCAGCTCTCTTCCTGAGGGC-3'